The following is an entry in ClinVar:

NM_000352.6(ABCC8):c.4104C>G (p.Ile1368Met)

Gene: ABCC8 (ATP binding cassette subfamily C member 8; minus strand). Cytogenetic location: 11p15.1.
Variant type: single nucleotide variant.
Coding change: c.4104C>G on transcript NM_000352.6 (MANE Select); coding-DNA position 4104, C replaced by G.
Protein change: p.Ile1368Met; replaces isoleucine 1368 with methionine.
Molecular consequence: missense variant. On other transcripts: non-coding transcript variant (1).
Genome position (GRCh38, 1-based): chr11:17,396,931, G>C on the plus strand (C>G on the coding strand, the complement: ABCC8 is on the minus strand). VCF-style: chr11-17396931-G-C. GRCh37 (hg19) VCF-style: chr11-17418478-G-C.
Other names: c.4107C>G, p.Ile1369Met (NM_001287174.3); c.4170C>G, p.Ile1390Met (NM_001351295.2); c.4104C>G, p.Ile1368Met (NM_001351296.2); c.4101C>G, p.Ile1367Met (NM_001351297.2); short protein forms I1367M, I1369M, I1368M, I1390M.
Identifiers: ClinVar variation 4978554 (VCV004978554.1).

ClinVar aggregate classification (germline): Uncertain significance (1 of 4 stars; one submission).

Conditions:
ABCC8-related disorder.

gnomAD v4.1: 1 of 1,614,172 alleles (0.000062%); highest among the groups gnomAD compares: Non-Finnish European, 0.000085%; no homozygotes.

Submission:

PreventionGenetics, part of Exact Sciences
Classification: Uncertain significance for ABCC8-related condition. Last evaluated: 2026-07-22. Review status: criteria provided, single submitter. Criteria: ACMG Guidelines, 2015. Collection method: clinical testing. Allele origin: germline.
Comment: The ABCC8 c.4104C>G variant is predicted to result in the amino acid substitution p.Ile1368Met. To our knowledge, this variant has not been reported in the literature or in a large population database (gnomAD), indicating this variant is rare. At this time, the clinical significance of this variant is uncertain due to the absence of conclusive functional and genetic evidence.